The following is an entry in ClinVar:

ClinVar aggregate classification (germline): Uncertain significance. Review status: criteria provided, multiple submitters, no conflicts (2 of 4 stars). 2 submissions from 2 submitters: Uncertain significance (2). Last evaluated 2026-06-04.

Conditions:
Inborn genetic diseases. Identifiers: MedGen C0950123, MeSH D030342.
Rubinstein-Taybi syndrome due to EP300 haploinsufficiency. Also called: EP300-Related Rubinstein-Taybi Syndrome; RUBINSTEIN-TAYBI SYNDROME 2. Identifiers: Orphanet 353284, Orphanet 783, MedGen C3150941, MONDO:0013364, OMIM 613684.

Submissions (2):

Ambry Genetics
Classification: Uncertain significance for Inborn genetic diseases. Last evaluated: 2026-06-04. Review status: criteria provided, single submitter. Criteria: Ambry Variant Classification Scheme 2023. Collection method: clinical testing. Allele origin: germline.

Labcorp Genetics (formerly Invitae), Labcorp
Classification: Uncertain significance for Rubinstein-Taybi syndrome due to EP300 haploinsufficiency. Last evaluated: 2023-12-11. Review status: criteria provided, single submitter. Criteria: Invitae Variant Classification Sherloc (09022015). Collection method: clinical testing. Allele origin: germline.
Comment: This sequence change replaces glycine, which is neutral and non-polar, with valine, which is neutral and non-polar, at codon 2250 of the EP300 protein (p.Gly2250Val). This variant is not present in population databases (gnomAD no frequency). This variant has not been reported in the literature in individuals affected with EP300-related conditions. Advanced modeling of protein sequence and biophysical properties (such as structural, functional, and spatial information, amino acid conservation, physicochemical variation, residue mobility, and thermodynamic stability) performed at Invitae indicates that this missense variant is not expected to disrupt EP300 protein function with a negative predictive value of 95%. In summary, the available evidence is currently insufficient to determine the role of this variant in disease. Therefore, it has been classified as a Variant of Uncertain Significance.

NM_001429.4(EP300):c.6749G>T (p.Gly2250Val)

Gene: EP300 (EP300 lysine acetyltransferase; plus strand). Cytogenetic location: 22q13.2.
Variant type: single nucleotide variant.
Coding change: c.6749G>T on transcript NM_001429.4 (MANE Select); coding-DNA position 6749, G replaced by T.
Protein change: p.Gly2250Val; replaces glycine 2250 with valine.
Molecular consequence: missense variant.
Genome position (GRCh38, 1-based): chr22:41,178,460, G>T. VCF-style: chr22-41178460-G-T. GRCh37 (hg19) VCF-style: chr22-41574464-G-T.
Other names: c.6671G>T, p.Gly2224Val (NM_001362843.2); c.6749G>T (NM_001429.3); short protein forms G2224V, G2250V.
Identifiers: ClinVar variation 2701604 (VCV002701604.4), dbSNP rs1461589152, ClinGen allele CA411682659.